The following is an entry in ClinVar:

ClinVar aggregate classification (germline): Uncertain significance (1 of 4 stars; one submission).

Conditions:
Inflammatory skin and bowel disease, neonatal, 1. Identifiers: Orphanet 294023, MedGen C3280501, MONDO:0013693, OMIM 614328.

Submission:

Labcorp Genetics (formerly Invitae), Labcorp
Classification: Uncertain significance for Inflammatory skin and bowel disease, neonatal, 1. Last evaluated: 2025-12-15. Review status: criteria provided, single submitter. Criteria: Invitae Variant Classification Sherloc (09022015). Collection method: clinical testing. Allele origin: germline.
Comment: This sequence change replaces histidine, which is basic and polar, with proline, which is neutral and non-polar, at codon 361 of the ADAM17 protein (p.His361Pro). This variant is not present in population databases (gnomAD no frequency). This variant has not been reported in the literature in individuals affected with ADAM17-related conditions. An algorithm developed to predict the effect of missense changes on protein structure and function (PolyPhen-2) suggests that this variant is likely to be tolerated. In summary, the available evidence is currently insufficient to determine the role of this variant in disease. Therefore, it has been classified as a Variant of Uncertain Significance.

NM_003183.6(ADAM17):c.1082A>C (p.His361Pro)

Gene: ADAM17 (ADAM metallopeptidase domain 17; minus strand). Cytogenetic location: 2p25.1.
Variant type: single nucleotide variant.
Coding change: c.1082A>C on transcript NM_003183.6 (MANE Select); coding-DNA position 1082, A replaced by C.
Protein change: p.His361Pro; replaces histidine 361 with proline.
Molecular consequence: missense variant.
Genome position (GRCh38, 1-based): chr2:9,518,123, T>G on the plus strand (A>C on the coding strand, the complement: ADAM17 is on the minus strand). VCF-style: chr2-9518123-T-G. GRCh37 (hg19) VCF-style: chr2-9658252-T-G.
Other names: c.422A>C, p.His141Pro (NM_001382777.1); c.185A>C, p.His62Pro (NM_001382778.1); short protein forms H62P, H141P, H361P.
Identifiers: ClinVar variation 4732435 (VCV004732435.1).